The following is an entry in ClinVar:

ClinVar aggregate classification (germline): Conflicting classifications of pathogenicity. Review status: criteria provided, conflicting classifications (1 of 4 stars). 2 submissions from 2 submitters: Uncertain significance (1); Benign (1). Last evaluated 2024-05-10.

Conditions:
Occult macular dystrophy (OCMD). Also called: OCCULT MACULAR DYSTROPHY, SUSCEPTIBILITY TO; OMD. Identifiers: Orphanet 247834, MedGen C3150833, MONDO:0013316, OMIM 613587, HP:0030636.

Allele frequency attached by ClinVar (database versions not stated): gnomAD 0.00001 and 0.00004; TOPMed 0.00001; gnomAD exomes 0.00012; ExAC 0.00029.
gnomAD v4.1: 102 of 1,600,486 alleles (0.0064%); highest among the groups gnomAD compares: South Asian, 0.098%; 3 homozygotes.

Submissions (2):

Blueprint Genetics
Classification: Uncertain significance. Last evaluated: 2024-05-10. Review status: criteria provided, single submitter. Criteria: ACMG Guidelines, 2015. Collection method: clinical testing. Allele origin: germline.

Illumina Laboratory Services, Illumina
Classification: Benign for Occult macular dystrophy. Last evaluated: 2018-01-12. Review status: criteria provided, single submitter. Criteria: ICSL Variant Classification Criteria 13 December 2019. Collection method: clinical testing. Allele origin: germline.
Comment: This variant was observed in the ICSL laboratory as part of a predisposition screen in an ostensibly healthy population. It had not been previously curated by ICSL or reported in the Human Gene Mutation Database (HGMD: prior to June 1st, 2018), and was therefore a candidate for classification through an automated scoring system. Utilizing variant allele frequency, disease prevalence and penetrance estimates, and inheritance mode, an automated score was calculated to assess if this variant is too frequent to cause the disease. Based on the score and internal cut-off values, a variant classified as benign is not then subjected to further curation. The score for this variant resulted in a classification of benign for this disease.

NM_178857.6(RP1L1):c.2696C>T (p.Pro899Leu)

Gene: RP1L1 (RP1 like 1). Cytogenetic location: 8p23.1.
Variant type: single nucleotide variant.
Coding change: c.2696C>T on transcript NM_178857.6 (MANE Select); coding-DNA position 2696, C replaced by T.
Protein change: p.Pro899Leu; replaces proline 899 with leucine.
Molecular consequence: missense variant.
Genome position (GRCh38, 1-based): chr8:10,611,402, G>A on the plus strand (C>T on the coding strand, the complement: RP1L1 is on the minus strand). VCF-style: chr8-10611402-G-A. GRCh37 (hg19) VCF-style: chr8-10468912-G-A.
Other names: short protein forms P899L.
Identifiers: ClinVar variation 911517 (VCV000911517.5), dbSNP rs779849753, ClinGen allele CA4624738.
Genomic context (GRCh38, chr8:10,611,402, plus strand): 5'-GACCCCGCACCCTGGCTGGCACTGCTTCTCCTTGATGCCCCTGAATTGGGGCCTGGGGAC[G>A]GCGTGGGGCCTGGCTGGCGTGTCCCCTCCTGCGGGCTCCCACCTGGCCCCCGGGCAGTGC-3'
Protein context (NP_849188.4, residues 889-909): QEGTRQPGPT[Pro899Leu]SPGPNSGASR